The following is an entry in ClinVar:

ClinVar aggregate classification (germline): Uncertain significance (1 of 4 stars; one submission).

Conditions:
Cardiovascular phenotype. Identifiers: MedGen CN230736.

Submission:

Ambry Genetics
Classification: Uncertain significance for Cardiovascular phenotype. Last evaluated: 2026-06-14. Review status: criteria provided, single submitter. Criteria: Ambry Variant Classification Scheme 2023. Collection method: clinical testing. Allele origin: germline.
Comment: The p.T3706S variant (also known as c.11117C>G), located in coding exon 26 of the APOB gene, results from a C to G substitution at nucleotide position 11117. The threonine at codon 3706 is replaced by serine, an amino acid with similar properties. This amino acid position is conserved. In addition, this alteration is predicted to be tolerated by in silico analysis. Based on the available evidence, the clinical significance of this variant remains unclear.

NM_000384.3(APOB):c.11117C>G (p.Thr3706Ser)

Gene: APOB (apolipoprotein B; minus strand). Cytogenetic location: 2p24.1.
Variant type: single nucleotide variant.
Coding change: c.11117C>G on transcript NM_000384.3 (MANE Select); coding-DNA position 11117, C replaced by G.
Protein change: p.Thr3706Ser; replaces threonine 3706 with serine.
Molecular consequence: missense variant.
Genome position (GRCh38, 1-based): chr2:21,005,751, G>C on the plus strand (C>G on the coding strand, the complement: APOB is on the minus strand). VCF-style: chr2-21005751-G-C. GRCh37 (hg19) VCF-style: chr2-21228623-G-C.
Other names: short protein forms T3706S.
Identifiers: ClinVar variation 4862777 (VCV004862777.1).